The following is an entry in ClinVar:

ClinVar aggregate classification (germline): Uncertain significance (1 of 4 stars; one submission).

Conditions:
CHARGE syndrome (CHARGE). Also called: Hittner Hirsch Kreh syndrome; CHARGE ASSOCIATION--COLOBOMA, HEART ANOMALY, CHOANAL ATRESIA, RETARDATION, GENITAL AND EAR ANOMALIES; Coloboma, heart anomaly, choanal atresia, retardation, genital and ear anomalies; CHARGE association; Hall-Hittner syndrome. Identifiers: Orphanet 138, MedGen C0265354, MONDO:0008965.

gnomAD v4.1: 2 of 1,610,646 alleles (0.00012%); highest among the groups gnomAD compares: Non-Finnish European, 0.00017%; no homozygotes.

Submission:

Labcorp Genetics (formerly Invitae), Labcorp
Classification: Uncertain significance for CHARGE syndrome. Last evaluated: 2025-01-01. Review status: criteria provided, single submitter. Criteria: Invitae Variant Classification Sherloc (09022015). Collection method: clinical testing. Allele origin: germline.
Comment: This sequence change replaces proline, which is neutral and non-polar, with serine, which is neutral and polar, at codon 410 of the CHD7 protein (p.Pro410Ser). This variant is not present in population databases (gnomAD no frequency). This variant has not been reported in the literature in individuals affected with CHD7-related conditions. Invitae Evidence Modeling of protein sequence and biophysical properties (such as structural, functional, and spatial information, amino acid conservation, physicochemical variation, residue mobility, and thermodynamic stability) indicates that this missense variant is not expected to disrupt CHD7 protein function with a negative predictive value of 95%. In summary, the available evidence is currently insufficient to determine the role of this variant in disease. Therefore, it has been classified as a Variant of Uncertain Significance.

NM_017780.4(CHD7):c.1228C>T (p.Pro410Ser)

Gene: CHD7 (chromodomain helicase DNA binding protein 7; plus strand). Cytogenetic location: 8q12.2.
Variant type: single nucleotide variant.
Coding change: c.1228C>T on transcript NM_017780.4 (MANE Select); coding-DNA position 1228, C replaced by T.
Protein change: p.Pro410Ser; replaces proline 410 with serine.
Molecular consequence: missense variant.
Genome position (GRCh38, 1-based): chr8:60,742,660, C>T. VCF-style: chr8-60742660-C-T. GRCh37 (hg19) VCF-style: chr8-61655219-C-T.
Other names: c.1228C>T, p.Pro410Ser (NM_001316690.1); short protein forms P410S.
Identifiers: ClinVar variation 3692627 (VCV003692627.2).
Genomic context (GRCh38, chr8:60,742,660, plus strand): 5'-TATGCCTCTCCACCTCCCATGTCACCCATGAAAGCAATGAGTAATCCAGCAGGCACTCCT[C>T]CTCCACAAGTCAGGCCGGGAAGTGCTGGGATACCAATGGAAGTTGGCAGTTATCCAAATA-3'
Protein context (NP_060250.2, residues 400-420): KAMSNPAGTP[Pro410Ser]PQVRPGSAGI